The following is an entry in ClinVar:

NM_000334.4(SCN4A):c.3064A>G (p.Arg1022Gly)

Genes: GH-LCR (growth hormone locus control region; plus strand), SCN4A (sodium voltage-gated channel alpha subunit 4; minus strand). Cytogenetic location: 17q23.3.
Variant type: single nucleotide variant.
Coding change: c.3064A>G on transcript NM_000334.4 (MANE Select); coding-DNA position 3064, A replaced by G.
Protein change: p.Arg1022Gly; replaces arginine 1022 with glycine.
Molecular consequence: missense variant.
Genome position (GRCh38, 1-based): chr17:63,948,691, T>C on the plus strand (A>G on the coding strand, the complement: SCN4A is on the minus strand). VCF-style: chr17-63948691-T-C. GRCh37 (hg19) VCF-style: chr17-62026051-T-C.
Other names: short protein forms R1022G.
Identifiers: ClinVar variation 3672631 (VCV003672631.2).

ClinVar aggregate classification (germline): Uncertain significance (1 of 4 stars; one submission).

Conditions:
Hyperkalemic periodic paralysis. Also called: Familial hyperkalemic periodic paralysis; Gamstorp disease. Identifiers: Orphanet 682, MedGen C0238357, MONDO:0008224, OMIM 170500, HP:0007215.

Submission:

Labcorp Genetics (formerly Invitae), Labcorp
Classification: Uncertain significance for Hyperkalemic periodic paralysis. Last evaluated: 2024-08-08. Review status: criteria provided, single submitter. Criteria: Invitae Variant Classification Sherloc (09022015). Collection method: clinical testing. Allele origin: germline.
Comment: This sequence change replaces arginine, which is basic and polar, with glycine, which is neutral and non-polar, at codon 1022 of the SCN4A protein (p.Arg1022Gly). This variant is not present in population databases (gnomAD no frequency). This variant has not been reported in the literature in individuals affected with SCN4A-related conditions. Advanced modeling of protein sequence and biophysical properties (such as structural, functional, and spatial information, amino acid conservation, physicochemical variation, residue mobility, and thermodynamic stability) performed at Invitae indicates that this missense variant is not expected to disrupt SCN4A protein function with a negative predictive value of 80%. In summary, the available evidence is currently insufficient to determine the role of this variant in disease. Therefore, it has been classified as a Variant of Uncertain Significance.